The following is an entry in ClinVar:

ClinVar aggregate classification (germline): Uncertain significance. Review status: criteria provided, multiple submitters, no conflicts (2 of 4 stars). 3 submissions from 3 submitters: Uncertain significance (3). Last evaluated 2023-12-22.

Conditions:
Retinitis pigmentosa 12 (RP12). Also called: RP WITH OR WITHOUT PPRPE; RP WITH OR WITHOUT PRESERVED PARAARTERIOLE RETINAL PIGMENT EPITHELIUM; RETINITIS PIGMENTOSA WITH OR WITHOUT PARAARTERIOLAR PRESERVATION OF RETINAL PIGMENT EPITHELIUM. Identifiers: Orphanet 791, MedGen C1838647, MONDO:0010818, OMIM 600105.
Leber congenital amaurosis 8 (LCA8). Identifiers: Orphanet 65, MedGen C3151202, MONDO:0013453, OMIM 613835.

Submissions (3):

Revvity Omics, Revvity
Classification: Uncertain significance. Last evaluated: 2023-12-22. Review status: criteria provided, single submitter. Criteria: ACMG Guidelines, 2015. Collection method: clinical testing. Allele origin: germline.

Blueprint Genetics
Classification: Uncertain significance. Last evaluated: 2023-04-20. Review status: criteria provided, single submitter. Criteria: ACMG Guidelines, 2015. Collection method: clinical testing. Allele origin: germline.

Labcorp Genetics (formerly Invitae), Labcorp
Classification: Uncertain significance for Leber congenital amaurosis 8; Retinitis pigmentosa 12. Last evaluated: 2022-06-13. Review status: criteria provided, single submitter. Criteria: Invitae Variant Classification Sherloc (09022015). Collection method: clinical testing. Allele origin: germline.
Comment: This variant, c.92_94del, results in the deletion of 1 amino acid(s) of the CRB1 protein (p.Asn31del), but otherwise preserves the integrity of the reading frame. This variant is not present in population databases (gnomAD no frequency). This variant has not been reported in the literature in individuals affected with CRB1-related conditions. Experimental studies and prediction algorithms are not available or were not evaluated, and the functional significance of this variant is currently unknown. In summary, the available evidence is currently insufficient to determine the role of this variant in disease. Therefore, it has been classified as a Variant of Uncertain Significance.

NM_201253.3(CRB1):c.89ACA[1] (p.Asn31del)

Gene: CRB1 (crumbs cell polarity complex component 1; plus strand). Cytogenetic location: 1q31.3.
Variant type: Microsatellite.
Coding change: c.89ACA[1] on transcript NM_201253.3 (MANE Select); one copy of the 3-base unit ACA starting at c.89; the reference has two copies in a row; one copy, 3 bases deleted; also written c.92_94del.
Protein change: p.Asn31del; deletes asparagine 31.
Molecular consequence: inframe deletion. On other transcripts: 5 prime UTR variant (1), non-coding transcript variant (2).
Genome position (GRCh38, 1-based): chr1:197,328,443-197,328,445, ACA deleted; deleting any 3 consecutive bases within chr1:197,328,439-197,328,445 gives the same sequence; the position shown is the placement nearest the transcript's 3' end. VCF-style (leftmost placement, unchanged base first): chr1-197328438-AAAC-A. GRCh37 (hg19) VCF-style: chr1-197297568-AAAC-A.
Other names: c.89ACA[1], p.Asn31del (NM_001193640.2, NM_001257966.2); c.-119ACA[1] (NM_001257965.2); c.92_94del (NM_201253.3); short protein forms N31del.
Identifiers: ClinVar variation 2200805 (VCV002200805.3), dbSNP rs1658647598, ClinGen allele CA1218022769.
Genomic context (GRCh38, chr1:197,328,438, plus strand): 5'-CCTCATTTATAAATTTAATCTTGTTACTTTTTATTTCCTTGTAGATTCCTTTTGCAATAA[AAAC>A]AACACCAGGTGCCTCTCAAATTCTTGCCAAAACAATTCTACATGCAAAGATTTTTCAAAA-3'